The following is an entry in ClinVar:

ClinVar aggregate classification (germline): Uncertain significance (1 of 4 stars; one submission).

Conditions:
Lethal multiple pterygium syndrome (LMPS). Identifiers: Orphanet 33108, MedGen C1854678, MONDO:0009668, OMIM 253290.

Submission:

Labcorp Genetics (formerly Invitae), Labcorp
Classification: Uncertain significance for Lethal multiple pterygium syndrome. Last evaluated: 2024-07-19. Review status: criteria provided, single submitter. Criteria: Invitae Variant Classification Sherloc (09022015). Collection method: clinical testing. Allele origin: germline.
Comment: This sequence change replaces glutamine, which is neutral and polar, with lysine, which is basic and polar, at codon 131 of the CHRNA1 protein (p.Gln131Lys). Information on the frequency of this variant in the gnomAD database is not available, as this variant may be reported differently in the database. This variant has not been reported in the literature in individuals affected with CHRNA1-related conditions. Experimental studies and prediction algorithms are not available or were not evaluated, and the functional significance of this variant is currently unknown. In summary, the available evidence is currently insufficient to determine the role of this variant in disease. Therefore, it has been classified as a Variant of Uncertain Significance.

NM_000079.4(CHRNA1):c.390_391delinsAA (p.Gln131Lys)

Gene: CHRNA1 (cholinergic receptor nicotinic alpha 1 subunit; minus strand). Cytogenetic location: 2q31.1.
Variant type: Indel.
Coding change: c.390_391delinsAA on transcript NM_000079.4 (MANE Select); coding-DNA positions 390 to 391, GC replaced by AA.
Protein change: p.Gln131Lys; replaces glutamine 131 with lysine.
Molecular consequence: missense variant.
Genome position (GRCh38, 1-based): chr2:174,754,368-174,754,369, GC replaced by TT on the plus strand (GC replaced by AA on the coding strand, the reverse complement: CHRNA1 is on the minus strand). VCF-style: chr2-174754368-GC-TT. GRCh37 (hg19) VCF-style: chr2-175619096-GC-TT.
Other names: c.465_466delinsAA, p.Gln156Lys (NM_001039523.3); short protein forms Q156K, Q131K.
Identifiers: ClinVar variation 3658303 (VCV003658303.2).